The following is an entry in ClinVar:

NM_033380.3(COL4A5):c.2570G>T (p.Gly857Val)

Gene: COL4A5 (collagen type IV alpha 5 chain; plus strand). Cytogenetic location: Xq22.3.
Variant type: single nucleotide variant.
Coding change: c.2570G>T on transcript NM_033380.3 (MANE Select); coding-DNA position 2570, G replaced by T.
Protein change: p.Gly857Val; replaces glycine 857 with valine.
Molecular consequence: missense variant.
Genome position (GRCh38, 1-based): chrX:108,620,319, G>T. VCF-style: chrX-108620319-G-T. GRCh37 (hg19) VCF-style: chrX-107863549-G-T.
Other names: p.(Gly857Val); c.2570G>T, p.Gly857Val (NM_000495.5); short protein forms G857V.
Identifiers: ClinVar variation 5041988 (VCV005041988.1).

ClinVar aggregate classification (germline): Likely pathogenic (1 of 4 stars; one submission).

Conditions:
X-linked Alport syndrome (ATS1). Also called: NEPHROPATHY AND DEAFNESS, X-LINKED; COL4A5-Related Nephropathy. Identifiers: Orphanet 63, Orphanet 88917, MedGen C4746986, MONDO:0010520, OMIM 301050.

Submission:

Centre de Génétique Humaine, Institut de Pathologie Et de Génétique
Classification: Likely pathogenic for X-linked Alport syndrome. Last evaluated: 2026-06-26. Review status: criteria provided, single submitter. Criteria: ACMG Guidelines, 2015. Collection method: clinical testing. Allele origin: paternal. Inheritance: X-linked dominant inheritance. Affected: yes. Observed: 1 variant allele, 1 heterozygote. Segregation with disease not observed.
Comment: This missense variant involves a highly conserved glycine located in a ‘Gly-X-Y’ motif in a non-collagenous/ collagenous boundary region (PM1,PP2). This variant is rare: absent in gnomAD v4.1.0 database (PM2). Another missense variant affecting the same residue described as LP: c.2570G>A, p.(Gly857Glu), PMID: 33040356 (PM5). In silico analysis supports that this missense variant has a deleterious effect (PP3).